The following is an entry in ClinVar:

NM_000088.4(COL1A1):c.495T>A (p.Tyr165Ter)

Gene: COL1A1 (collagen type I alpha 1 chain; minus strand). Cytogenetic location: 17q21.33.
Variant type: single nucleotide variant.
Coding change: c.495T>A on transcript NM_000088.4 (MANE Select); coding-DNA position 495, T replaced by A.
Protein change: p.Tyr165Ter; replaces tyrosine 165 with a stop codon.
Molecular consequence: nonsense.
Genome position (GRCh38, 1-based): chr17:50,198,481, A>T on the plus strand (T>A on the coding strand, the complement: COL1A1 is on the minus strand). VCF-style: chr17-50198481-A-T. GRCh37 (hg19) VCF-style: chr17-48275842-A-T.
Other names: short protein forms Y165*.
Identifiers: ClinVar variation 4750170 (VCV004750170.2).

ClinVar aggregate classification (germline): Pathogenic. Review status: criteria provided, multiple submitters, no conflicts (2 of 4 stars). 2 submissions from 2 submitters: Pathogenic (2). Last evaluated 2025-03-19.

Conditions:
Osteogenesis imperfecta type I (OI1). Also called: Lobstein's Disease; Lobstein disease; Classic Non-deforming Osteogenesis Imperfecta with Blue Sclerae; OI, TYPE I; OSTEOGENESIS IMPERFECTA TARDA; OSTEOGENESIS IMPERFECTA WITH BLUE SCLERAE. Identifiers: Orphanet 216796, Orphanet 666, MedGen C0023931, MONDO:0008146, OMIM 166200. Disease mechanism: loss of function.

Submissions (2):

Labcorp Genetics (formerly Invitae), Labcorp
Classification: Pathogenic for Osteogenesis imperfecta type I. Last evaluated: 2025-03-19. Review status: criteria provided, single submitter. Criteria: Invitae Variant Classification Sherloc (09022015). Collection method: clinical testing. Allele origin: germline.
Comment: This sequence change creates a premature translational stop signal (p.Tyr165*) in the COL1A1 gene. It is expected to result in an absent or disrupted protein product. Loss-of-function variants in COL1A1 are known to be pathogenic (PMID: 7942841, 9295084, 9443882). This variant is not present in population databases (gnomAD no frequency). This premature translational stop signal has been observed in individual(s) with osteogenesis imperfecta (PMID: 31447884, 36343986). For these reasons, this variant has been classified as Pathogenic.

Dasa
Classification: Pathogenic. Last evaluated: 2025-03-10. Review status: criteria provided, single submitter. Criteria: DASA Assertion Criteria. Collection method: clinical testing. Allele origin: germline.
Comment: NM_000088.4(COL1A1):c.495T>A (p.Tyr165*) introduces a premature termination codon predicted to result in loss of normal protein function. Loss-of-function is an established mechanism of disease for this gene. The variant is present at low frequency in population datasets. Based on the available data, this variant is classified as pathogenic.

Literature cited by the submitters: PubMed 7942841 (cited by Labcorp Genetics (formerly Invitae), Labcorp); PubMed 9295084 (cited by Labcorp Genetics (formerly Invitae), Labcorp); PubMed 9443882 (cited by Labcorp Genetics (formerly Invitae), Labcorp); PubMed 31447884 (cited by Labcorp Genetics (formerly Invitae), Labcorp); PubMed 36343986 (cited by Labcorp Genetics (formerly Invitae), Labcorp).